The following is an entry in ClinVar:

ClinVar aggregate classification (germline): Uncertain significance. Review status: criteria provided, multiple submitters, no conflicts (2 of 4 stars). 2 submissions from 2 submitters: Uncertain significance (2). Last evaluated 2025-09-16.

Conditions:
Hereditary cancer-predisposing syndrome. Also called: Hereditary Cancer Syndrome; Hereditary neoplastic syndrome; Neoplastic Syndromes, Hereditary; Tumor predisposition. Identifiers: Orphanet 140162, MedGen C0027672, MeSH D009386, MONDO:0015356.

Submissions (2):

Labcorp Genetics (formerly Invitae), Labcorp
Classification: Uncertain significance. Last evaluated: 2025-09-16. Review status: criteria provided, single submitter. Criteria: Invitae Variant Classification Sherloc (09022015). Collection method: clinical testing. Allele origin: germline.
Comment: This sequence change replaces aspartic acid, which is acidic and polar, with glycine, which is neutral and non-polar, at codon 450 of the MSH3 protein (p.Asp450Gly). This variant is not present in population databases (gnomAD no frequency). This variant has not been reported in the literature in individuals affected with MSH3-related conditions. ClinVar contains an entry for this variant (Variation ID: 1770541). An algorithm developed to predict the effect of missense changes on protein structure and function (PolyPhen-2) suggests that this variant is likely to be disruptive. In summary, the available evidence is currently insufficient to determine the role of this variant in disease. Therefore, it has been classified as a Variant of Uncertain Significance.

Ambry Genetics
Classification: Uncertain significance for Hereditary cancer-predisposing syndrome. Last evaluated: 2025-01-30. Review status: criteria provided, single submitter. Criteria: Ambry Variant Classification Scheme 2023. Collection method: clinical testing. Allele origin: germline.
Comment: The p.D450G variant (also known as c.1349A>G), located in coding exon 9 of the MSH3 gene, results from an A to G substitution at nucleotide position 1349. The aspartic acid at codon 450 is replaced by glycine, an amino acid with similar properties. This amino acid position is highly conserved in available vertebrate species. In addition, the in silico prediction for this alteration is inconclusive. Based on the available evidence, the clinical significance of this variant remains unclear.

NM_002439.5(MSH3):c.1349A>G (p.Asp450Gly)

Gene: MSH3 (mutS homolog 3; plus strand). Cytogenetic location: 5q14.1.
Variant type: single nucleotide variant.
Coding change: c.1349A>G on transcript NM_002439.5 (MANE Select); coding-DNA position 1349, A replaced by G.
Protein change: p.Asp450Gly; replaces aspartic acid 450 with glycine.
Molecular consequence: missense variant.
Genome position (GRCh38, 1-based): chr5:80,725,461, A>G. VCF-style: chr5-80725461-A-G. GRCh37 (hg19) VCF-style: chr5-80021280-A-G.
Other names: short protein forms D450G.
Identifiers: ClinVar variation 1770541 (VCV001770541.4), dbSNP rs2546752958, ClinGen allele CA360273354.